The following is an entry in ClinVar:

ClinVar aggregate classification (germline): Conflicting classifications of pathogenicity. Review status: criteria provided, conflicting classifications (1 of 4 stars). 2 submissions from 2 submitters: Uncertain significance (1); Likely benign (1). Last evaluated 2023-11-28.

Allele frequency attached by ClinVar (database versions not stated): gnomAD 0.00001; TOPMed 0.00002; ExAC 0.00003; gnomAD exomes 0.00003 and 0.00005.

Submissions (2):

Labcorp Genetics (formerly Invitae), Labcorp
Classification: Uncertain significance. Last evaluated: 2023-11-28. Review status: criteria provided, single submitter. Criteria: Invitae Variant Classification Sherloc (09022015). Collection method: clinical testing. Allele origin: germline.
Comment: This sequence change replaces isoleucine, which is neutral and non-polar, with valine, which is neutral and non-polar, at codon 79 of the SAMD11 protein (p.Ile79Val). This variant is present in population databases (rs779619427, gnomAD 0.03%). This variant has not been reported in the literature in individuals affected with SAMD11-related conditions. ClinVar contains an entry for this variant (Variation ID: 1002057). Algorithms developed to predict the effect of missense changes on protein structure and function output the following: SIFT: "Not Available"; PolyPhen-2: "Benign"; Align-GVGD: "Not Available". The valine amino acid residue is found in multiple mammalian species, which suggests that this missense change does not adversely affect protein function. In summary, the available evidence is currently insufficient to determine the role of this variant in disease. Therefore, it has been classified as a Variant of Uncertain Significance.

Ambry Genetics
Classification: Likely benign. Last evaluated: 2023-11-02. Review status: criteria provided, single submitter. Criteria: Ambry Variant Classification Scheme 2023. Collection method: clinical testing. Allele origin: germline.

NM_001385641.1(SAMD11):c.772A>G (p.Ile258Val)

Gene: SAMD11 (sterile alpha motif domain containing 11; plus strand). Cytogenetic location: 1p36.33.
Variant type: single nucleotide variant.
Coding change: c.772A>G on transcript NM_001385641.1 (MANE Select); coding-DNA position 772, A replaced by G.
Protein change: p.Ile258Val; replaces isoleucine 258 with valine.
Molecular consequence: missense variant.
Genome position (GRCh38, 1-based): chr1:930,317, A>G. VCF-style: chr1-930317-A-G. GRCh37 (hg19) VCF-style: chr1-865697-A-G.
Other names: c.772A>G, p.Ile258Val (NM_001385640.1); c.235A>G, p.Ile79Val (NM_152486.4); c.235A>G (NM_152486.2); short protein forms I258V, I79V.
Identifiers: ClinVar variation 1002057 (VCV001002057.7), dbSNP rs779619427, ClinGen allele CA502461.
Genomic context (GRCh38, chr1:930,317, plus strand): 5'-GACGGGAGTGGCCCCACCTGTGGGCGGCGGCCAGGCTTGAAGCAGGAGGATGGTCCGCAC[A>G]TCCGTATCATGAAGAGAAGGTACTTGGACCAGGGCCGGACAGGAAGGCGCAAGGCTCAGA-3'
Protein context (NP_001372570.1, residues 248-268): PGLKQEDGPH[Ile258Val]RIMKRRVHTH